The following is an entry in ClinVar:

NM_020312.4(COQ9):c.756C>G (p.Asn252Lys)

Gene: COQ9 (coenzyme Q9; plus strand). Cytogenetic location: 16q21.
Variant type: single nucleotide variant.
Coding change: c.756C>G on transcript NM_020312.4 (MANE Select); coding-DNA position 756, C replaced by G.
Protein change: p.Asn252Lys; replaces asparagine 252 with lysine.
Molecular consequence: missense variant.
Genome position (GRCh38, 1-based): chr16:57,459,609, C>G. VCF-style: chr16-57459609-C-G. GRCh37 (hg19) VCF-style: chr16-57493521-C-G.
Other names: c.756C>G (NM_020312.3); short protein forms N252K.
Identifiers: ClinVar variation 1196142 (VCV001196142.8), dbSNP rs142223672, ClinGen allele CA8076343.

ClinVar aggregate classification (germline): Uncertain significance. Review status: criteria provided, multiple submitters, no conflicts (2 of 4 stars). 3 submissions from 3 submitters: Uncertain significance (2). 1 of the submissions does not count toward it. Last evaluated 2024-01-17.

Conditions:
COQ9-related disorder. Also called: COQ9-related condition.

Allele frequency attached by ClinVar (database versions not stated): gnomAD exomes 0.00010 and 0.00003; ExAC 0.00012; TOPMed 0.00026; gnomAD 0.00032 and 0.00033; ESP Exome Variant Server 0.00038; 1000 Genomes Project 0.00060; 1000 Genomes Project 30x 0.00062.
gnomAD v4.1: 89 of 1,614,166 alleles (0.0055%); highest among the groups gnomAD compares: African/African-American, 0.12%; no homozygotes.

Submissions (3):

Labcorp Genetics (formerly Invitae), Labcorp
Classification: Uncertain significance. Last evaluated: 2024-01-17. Review status: criteria provided, single submitter. Criteria: Invitae Variant Classification Sherloc (09022015). Collection method: clinical testing. Allele origin: germline.
Comment: This sequence change replaces asparagine, which is neutral and polar, with lysine, which is basic and polar, at codon 252 of the COQ9 protein (p.Asn252Lys). This variant is present in population databases (rs142223672, gnomAD 0.2%). This variant has not been reported in the literature in individuals affected with COQ9-related conditions. ClinVar contains an entry for this variant (Variation ID: 1196142). An algorithm developed to predict the effect of missense changes on protein structure and function (PolyPhen-2) suggests that this variant¬†is likely to be tolerated. In summary, the available evidence is currently insufficient to determine the role of this variant in disease. Therefore, it has been classified as a Variant of Uncertain Significance.

GeneDx
Classification: Uncertain significance. Last evaluated: 2021-03-02. Review status: criteria provided, single submitter. Criteria: GeneDx Variant Classification Process June 2021. Collection method: clinical testing. Allele origin: germline. Affected: yes.
Comment: Has not been previously published as pathogenic or benign to our knowledge; In silico analysis supports that this missense variant does not alter protein structure/function

PreventionGenetics, part of Exact Sciences
Classification: Likely benign for COQ9-related condition. Last evaluated: 2022-04-11. Review status: no assertion criteria provided. Collection method: clinical testing. Allele origin: germline. Not counted in ClinVar's aggregate classification.
Comment: This variant is classified as likely benign based on ACMG/AMP sequence variant interpretation guidelines (Richards et al. 2015 PMID: 25741868, with internal and published modifications).